The following is an entry in ClinVar:

NM_183357.3(ADCY5):c.1948-3C>A

Gene: ADCY5 (adenylate cyclase 5; minus strand). Cytogenetic location: 3q21.1.
Variant type: single nucleotide variant.
Coding change: c.1948-3C>A on transcript NM_183357.3 (MANE Select); 3 bases into the intron before coding-DNA position 1948, C replaced by A.
Molecular consequence: intron variant.
Genome position (GRCh38, 1-based): chr3:123,325,465, G>T on the plus strand (C>A on the coding strand, the complement: ADCY5 is on the minus strand). VCF-style: chr3-123325465-G-T. GRCh37 (hg19) VCF-style: chr3-123044312-G-T.
Other names: c.1948-3C>A (NM_001378259.1); c.898-3C>A (NM_001199642.1).
Identifiers: ClinVar variation 2577752 (VCV002577752.1), dbSNP rs935911488, ClinGen allele CA2580617516.

ClinVar aggregate classification (germline): Uncertain significance (1 of 4 stars; one submission).

Submission:

GeneDx
Classification: Uncertain significance. Last evaluated: 2023-02-27. Review status: criteria provided, single submitter. Criteria: GeneDx Variant Classification Process June 2021. Collection method: clinical testing. Allele origin: germline. Affected: yes.
Comment: Not observed at significant frequency in large population cohorts (gnomAD); Has not been previously published as pathogenic or benign to our knowledge; In silico analysis suggests this variant may impact gene splicing. In the absence of RNA/functional studies, the actual effect of this sequence change is unknown.